The following is an entry in ClinVar:

NM_016239.4(MYO15A):c.10475dup (p.Leu3493fs)

Gene: MYO15A (myosin XVA; plus strand). Cytogenetic location: 17p11.2.
Variant type: Duplication.
Coding change: c.10475dup on transcript NM_016239.4 (MANE Select); coding-DNA position 10475, one base duplicated (A; older notation c.10475dupA).
Protein change: p.Leu3493fs; shifts the reading frame from leucine 3493.
Molecular consequence: frameshift variant.
Genome position (GRCh38, 1-based): chr17:18,173,905, A duplicated. VCF-style (leftmost placement, unchanged base first): chr17-18173904-C-CA. GRCh37 (hg19) VCF-style: chr17-18077218-C-CA.
Other names: c.10475dupA (NM_016239.4); short protein forms L3493fs.
Identifiers: ClinVar variation 1687546 (VCV001687546.2), dbSNP rs2142436821, ClinGen allele CA2573153133.

ClinVar aggregate classification (germline): Conflicting classifications of pathogenicity. Review status: criteria provided, conflicting classifications (1 of 4 stars). 2 submissions from 2 submitters: Pathogenic (1); Uncertain significance (1). Last evaluated 2024-12-20.

Conditions:
Sensorineural hearing loss disorder. Also called: Sensorineural hearing loss; Sensorineural hearing impairment; Sensorineural Deafness. Identifiers: MedGen C0018784, MeSH D006319, MONDO:0020678, HP:0000407.
Autosomal recessive nonsyndromic hearing loss 3. Also called: NEUROSENSORY NONSYNDROMIC RECESSIVE DEAFNESS 3. Identifiers: Orphanet 90636, MedGen C1838263, MONDO:0010860, OMIM 600316.

Allele frequency attached by ClinVar (database versions not stated): gnomAD exomes below 0.00001.

Submissions (2):

Laboratory of Dr. Barbara Vona, University Medical Center Göttingen
Classification: Pathogenic for Sensorineural hearing loss disorder. Last evaluated: 2024-12-20. Review status: criteria provided, single submitter. Criteria: ClinGen HL ACMG Specifications v1. Collection method: clinical testing. Allele origin: germline. Affected: yes.

3billion
Classification: Uncertain significance for Autosomal recessive nonsyndromic hearing loss 3. Last evaluated: 2022-05-22. Review status: criteria provided, single submitter. Criteria: ACMG Guidelines, 2015. Collection method: clinical testing. Allele origin: germline. Affected: yes. Observed: 1 heterozygote.
Comment: The variant is not observed in the gnomAD v2.1.1 dataset. Frameshift: predicted to result in a loss or disruption of normal protein function through protein truncation. The predicted truncated protein may be shortened by less than 10%. Therefore, this variant is classified as uncertain significanceaccording to the recommendation of ACMG/AMP guideline.

Literature cited by the submitters: PubMed 40377830 (cited by Laboratory of Dr. Barbara Vona, University Medical Center Göttingen).